The following is an entry in ClinVar:

ClinVar aggregate classification (germline): Uncertain significance. Review status: criteria provided, multiple submitters, no conflicts (2 of 4 stars). 2 submissions from 2 submitters: Uncertain significance (2). Last evaluated 2026-02-14.

Conditions:
Ehlers-Danlos syndrome due to tenascin-X deficiency (EDSCLL1). Also called: EHLERS-DANLOS SYNDROME, CLASSIC-LIKE; Ehlers-Danlos syndrome, classic-like, 1; TNXB-Related Classical-Like Ehlers-Danlos Syndrome; EDS DUE TO TNX DEFICIENCY; TNX DEFICIENCY. Identifiers: Orphanet 230839, MedGen C1848029, MONDO:0011670, OMIM 606408.
Cardiovascular phenotype. Identifiers: MedGen CN230736.

gnomAD v4.1: 4 of 1,608,594 alleles (0.00025%); highest among the groups gnomAD compares: Non-Finnish European, 0.00034%; no homozygotes.

Submissions (2):

Ambry Genetics
Classification: Uncertain significance for Cardiovascular phenotype. Last evaluated: 2026-02-14. Review status: criteria provided, single submitter. Criteria: Ambry Variant Classification Scheme 2023. Collection method: clinical testing. Allele origin: germline.
Comment: The p.D841N variant (also known as c.2521G>A), located in coding exon 5 of the TNXB gene, results from a G to A substitution at nucleotide position 2521. The aspartic acid at codon 841 is replaced by asparagine, an amino acid with highly similar properties. This amino acid position is conserved. In addition, this alteration is predicted to be tolerated by in silico analysis. Based on the available evidence, the clinical significance of this variant remains unclear.

MGZ Medical Genetics Center
Classification: Uncertain significance for Ehlers-Danlos syndrome due to tenascin-X deficiency. Last evaluated: 2021-10-29. Review status: criteria provided, single submitter. Criteria: ACMG Guidelines, 2015. Collection method: clinical testing. Allele origin: germline. Affected: yes. Observed: 1 variant allele.
Comment: ACMG criteria applied: PM2_SUP, BP4

NM_001365276.2(TNXB):c.2521G>A (p.Asp841Asn)

Gene: TNXB (tenascin XB; minus strand). Cytogenetic location: 6p21.33.
Variant type: single nucleotide variant.
Coding change: c.2521G>A on transcript NM_001365276.2 (MANE Select); coding-DNA position 2521, G replaced by A.
Protein change: p.Asp841Asn; replaces aspartic acid 841 with asparagine.
Molecular consequence: missense variant.
Genome position (GRCh38, 1-based): chr6:32,089,043, C>T on the plus strand (G>A on the coding strand, the complement: TNXB is on the minus strand). VCF-style: chr6-32089043-C-T. GRCh37 (hg19) VCF-style: chr6-32056820-C-T.
Other names: c.2521G>A, p.Asp841Asn (NM_019105.8); c.2521G>A (NM_019105.6); short protein forms D841N.
Identifiers: ClinVar variation 1708970 (VCV001708970.4), dbSNP rs975153087, ClinGen allele CA136900768.